The following is an entry in ClinVar:

ClinVar aggregate classification (germline): Uncertain significance. Review status: criteria provided, multiple submitters, no conflicts (2 of 4 stars). 2 submissions from 2 submitters: Uncertain significance (2). Last evaluated 2025-04-28.

Conditions:
Cardiovascular phenotype. Identifiers: MedGen CN230736.
Brugada syndrome 8 (BRGDA8). Identifiers: Orphanet 130, MedGen C2751083, MONDO:0013148, OMIM 613123.

Allele frequency attached by ClinVar (database versions not stated): TOPMed 0.00002.
gnomAD v4.1: 2 of 1,587,088 alleles (0.00013%); highest among the groups gnomAD compares: African/African-American, 0.0027%; no homozygotes.

Submissions (2):

Labcorp Genetics (formerly Invitae), Labcorp
Classification: Uncertain significance for Brugada syndrome 8. Last evaluated: 2025-04-28. Review status: criteria provided, single submitter. Criteria: Invitae Variant Classification Sherloc (09022015). Collection method: clinical testing. Allele origin: germline.
Comment: This sequence change replaces alanine, which is neutral and non-polar, with valine, which is neutral and non-polar, at codon 905 of the HCN4 protein (p.Ala905Val). This variant is not present in population databases (gnomAD no frequency). This variant has not been reported in the literature in individuals affected with HCN4-related conditions. ClinVar contains an entry for this variant (Variation ID: 1795100). Invitae Evidence Modeling of protein sequence and biophysical properties (such as structural, functional, and spatial information, amino acid conservation, physicochemical variation, residue mobility, and thermodynamic stability) indicates that this missense variant is not expected to disrupt HCN4 protein function with a negative predictive value of 95%. In summary, the available evidence is currently insufficient to determine the role of this variant in disease. Therefore, it has been classified as a Variant of Uncertain Significance.

Ambry Genetics
Classification: Uncertain significance for Cardiovascular phenotype. Last evaluated: 2022-04-19. Review status: criteria provided, single submitter. Criteria: Ambry Variant Classification Scheme 2023. Collection method: clinical testing. Allele origin: germline.
Comment: The p.A905V variant (also known as c.2714C>T), located in coding exon 8 of the HCN4 gene, results from a C to T substitution at nucleotide position 2714. The alanine at codon 905 is replaced by valine, an amino acid with similar properties. This amino acid position is conserved. In addition, this alteration is predicted to be tolerated by in silico analysis. Since supporting evidence is limited at this time, the clinical significance of this alteration remains unclear.

NM_005477.3(HCN4):c.2714C>T (p.Ala905Val)

Gene: HCN4 (hyperpolarization activated cyclic nucleotide gated potassium channel 4; minus strand). Cytogenetic location: 15q24.1.
Variant type: single nucleotide variant.
Coding change: c.2714C>T on transcript NM_005477.3 (MANE Select); coding-DNA position 2714, C replaced by T.
Protein change: p.Ala905Val; replaces alanine 905 with valine.
Molecular consequence: missense variant.
Genome position (GRCh38, 1-based): chr15:73,323,379, G>A on the plus strand (C>T on the coding strand, the complement: HCN4 is on the minus strand). VCF-style: chr15-73323379-G-A. GRCh37 (hg19) VCF-style: chr15-73615720-G-A.
Other names: short protein forms A905V.
Identifiers: ClinVar variation 1795100 (VCV001795100.4), dbSNP rs987812425, ClinGen allele CA272664354.